The following is an entry in ClinVar:

NM_000059.4(BRCA2):c.9012G>A (p.Lys3004=)

Gene: BRCA2 (BRCA2 DNA repair associated; plus strand). Cytogenetic location: 13q13.1.
Variant type: single nucleotide variant.
Coding change: c.9012G>A on transcript NM_000059.4 (MANE Select); coding-DNA position 9012, G replaced by A.
Protein change: p.Lys3004=; no amino-acid change (lysine 3004 retained).
Molecular consequence: synonymous variant.
Genome position (GRCh38, 1-based): chr13:32,379,808, G>A. VCF-style: chr13-32379808-G-A. GRCh37 (hg19) VCF-style: chr13-32953945-G-A.
Identifiers: ClinVar variation 184425 (VCV000184425.50), dbSNP rs748815473, ClinGen allele CA025925.

ClinVar aggregate classification (germline): Likely benign. Review status: reviewed by expert panel (3 of 4 stars). 9 submissions from 9 submitters: Likely benign (1). 8 of the submissions do not count toward it. Last evaluated 2017-06-29.

Conditions:
Hereditary cancer-predisposing syndrome. Also called: Tumor predisposition; Neoplastic Syndromes, Hereditary; Hereditary Cancer Syndrome; Hereditary neoplastic syndrome. Identifiers: Orphanet 140162, MedGen C0027672, MeSH D009386, MONDO:0015356.
Hereditary breast ovarian cancer syndrome. Also called: Hereditary breast and ovarian cancer; Hereditary breast and ovarian cancer syndrome (HBOC); Breast and ovarian cancer; Hereditary breast and/or ovarian cancer syndrome; BRCA1- and BRCA2-Associated Hereditary Breast and Ovarian Cancer; Hereditary breast and ovarian cancer syndrome. Identifiers: Orphanet 145, MedGen C0677776, MeSH D061325, MONDO:0003582. Disease mechanism: loss of function.
Breast-ovarian cancer, familial, susceptibility to, 2 (BROVCA2). Also called: BRCA2 Hereditary Breast and Ovarian Cancer. Identifiers: Orphanet 145, MedGen C2675520, MONDO:0012933, OMIM 612555. Disease mechanism: loss of function.

Allele frequency attached by ClinVar (database versions not stated): gnomAD exomes below 0.00001 and 0.00001; gnomAD 0.00001; ExAC 0.00002.
gnomAD v4.1: 7 of 1,612,282 alleles (0.00043%); highest among the groups gnomAD compares: Non-Finnish European, 0.00042%; no homozygotes.

Submissions (9):

Evidence-based Network for the Interpretation of Germline Mutant Alleles (ENIGMA)
Classification: Likely benign for Breast-ovarian cancer, familial, susceptibility to, 2. Last evaluated: 2017-06-29. Review status: reviewed by expert panel. Criteria: ENIGMA BRCA1/2 Classification Criteria (2017-06-29). Collection method: curation. Allele origin: germline.
Comment: Synonymous substitution variant, with low bioinformatic likelihood to result in a splicing aberration (Splicing prior probability 0.02).

Labcorp Genetics (formerly Invitae), Labcorp
Classification: Likely benign for Hereditary breast ovarian cancer syndrome. Last evaluated: 2025-05-08. Review status: criteria provided, single submitter. Criteria: Invitae Variant Classification Sherloc (09022015). Collection method: clinical testing. Allele origin: germline. Not counted in ClinVar's aggregate classification.

CeGaT Center for Human Genetics Tuebingen
Classification: Likely benign. Last evaluated: 2025-04-01. Review status: criteria provided, single submitter. Criteria: CeGaT Center For Human Genetics Tuebingen Variant Classification Criteria Version 2. Collection method: clinical testing. Allele origin: germline. Affected: yes. Observed: 3 variant alleles. Not counted in ClinVar's aggregate classification.
Comment: BRCA2: BP4, BP7

Women's Health and Genetics/Laboratory Corporation of America, LabCorp
Classification: Likely benign. Last evaluated: 2024-12-06. Review status: criteria provided, single submitter. Criteria: LabCorp Variant Classification Summary - May 2015. Collection method: clinical testing. Allele origin: germline. Not counted in ClinVar's aggregate classification.

All of Us Research Program, National Institutes of Health
Classification: Likely benign for Breast-ovarian cancer, familial, susceptibility to, 2. Last evaluated: 2024-01-11. Review status: criteria provided, single submitter. Criteria: ACMG Guidelines, 2015. Collection method: clinical testing. Allele origin: germline. Inheritance: Autosomal dominant inheritance. Observed: 1 variant allele, 1 heterozygote. Not counted in ClinVar's aggregate classification.
Comment: This study involves interpretation of variants in research participants for the purpose of population health screening. Participant phenotype was not available at the time of variant classification. Additional details can be found in publication PMID: 35346344, PMCID: PMC8962531

Blueprint Genetics
Classification: Likely benign. Last evaluated: 2023-11-14. Review status: criteria provided, single submitter. Criteria: ACMG Guidelines, 2015. Collection method: clinical testing. Allele origin: germline. Not counted in ClinVar's aggregate classification.

Institute for Biomarker Research, Medical Diagnostic Laboratories, L.L.C.
Classification: Likely benign for Hereditary cancer-predisposing syndrome. Last evaluated: 2018-05-23. Review status: criteria provided, single submitter. Criteria: ACMG Guidelines, 2015. Collection method: clinical testing. Allele origin: germline. Not counted in ClinVar's aggregate classification.

Color Diagnostics, LLC DBA Color Health
Classification: Likely benign for Hereditary cancer-predisposing syndrome. Last evaluated: 2015-04-14. Review status: criteria provided, single submitter. Criteria: ACMG Guidelines, 2015. Collection method: clinical testing. Allele origin: germline. Not counted in ClinVar's aggregate classification.

Ambry Genetics
Classification: Likely benign for Hereditary cancer-predisposing syndrome. Last evaluated: 2015-02-28. Review status: criteria provided, single submitter. Criteria: Ambry Variant Classification Scheme 2023. Collection method: clinical testing. Allele origin: germline. Not counted in ClinVar's aggregate classification.